The following is an entry in ClinVar:

NM_005591.4(MRE11):c.763A>G (p.Lys255Glu)

Gene: MRE11 (MRE11 double strand break repair nuclease; minus strand). Cytogenetic location: 11q21.
Variant type: single nucleotide variant.
Coding change: c.763A>G on transcript NM_005591.4 (MANE Select); coding-DNA position 763, A replaced by G.
Protein change: p.Lys255Glu; replaces lysine 255 with glutamic acid.
Molecular consequence: missense variant.
Genome position (GRCh38, 1-based): chr11:94,471,656, T>C on the plus strand (A>G on the coding strand, the complement: MRE11 is on the minus strand). VCF-style: chr11-94471656-T-C. GRCh37 (hg19) VCF-style: chr11-94204822-T-C.
Other names: c.763A>G, p.Lys255Glu (NM_001330347.2, NM_005590.4); short protein forms K255E.
Identifiers: ClinVar variation 479768 (VCV000479768.13), dbSNP rs1468500373, ClinGen allele CA382375722.

ClinVar aggregate classification (germline): Uncertain significance. Review status: criteria provided, multiple submitters, no conflicts (2 of 4 stars). 2 submissions from 2 submitters: Uncertain significance (2). Last evaluated 2023-08-02.

Conditions:
Ataxia-telangiectasia-like disorder (ATLD). Identifiers: MedGen C1858391, MONDO:0011457.
Hereditary cancer-predisposing syndrome. Also called: Hereditary Cancer Syndrome; Neoplastic Syndromes, Hereditary; Tumor predisposition; Hereditary neoplastic syndrome. Identifiers: Orphanet 140162, MedGen C0027672, MeSH D009386, MONDO:0015356.

Allele frequency attached by ClinVar (database versions not stated): TOPMed below 0.00001; gnomAD 0.00001.
gnomAD v4.1: 1 of 1,612,840 alleles (0.000062%); highest among the groups gnomAD compares: Non-Finnish European, 0.000085%; no homozygotes.

Submissions (2):

Ambry Genetics
Classification: Uncertain significance for Hereditary cancer-predisposing syndrome. Last evaluated: 2023-08-02. Review status: criteria provided, single submitter. Criteria: Ambry Variant Classification Scheme 2023. Collection method: clinical testing. Allele origin: germline.
Comment: The p.K255E variant (also known as c.763A>G), located in coding exon 7 of the MRE11A gene, results from an A to G substitution at nucleotide position 763. The lysine at codon 255 is replaced by glutamic acid, an amino acid with similar properties. This amino acid position is not well conserved in available vertebrate species. In addition, this alteration is predicted to be tolerated by in silico analysis. Since supporting evidence is limited at this time, the clinical significance of this alteration remains unclear.

Labcorp Genetics (formerly Invitae), Labcorp
Classification: Uncertain significance for Ataxia-telangiectasia-like disorder. Last evaluated: 2023-08-02. Review status: criteria provided, single submitter. Criteria: Invitae Variant Classification Sherloc (09022015). Collection method: clinical testing. Allele origin: germline.
Comment: In summary, the available evidence is currently insufficient to determine the role of this variant in disease. Therefore, it has been classified as a Variant of Uncertain Significance. Experimental studies have shown that this missense change affects MRE11 function (PMID: 36050397). An algorithm developed to predict the effect of missense changes on protein structure and function (PolyPhen-2) suggests that this variant is likely to be tolerated. ClinVar contains an entry for this variant (Variation ID: 479768). This variant has not been reported in the literature in individuals affected with MRE11-related conditions. This variant is not present in population databases (gnomAD no frequency). This sequence change replaces lysine, which is basic and polar, with glutamic acid, which is acidic and polar, at codon 255 of the MRE11 protein (p.Lys255Glu).

Literature cited by the submitters: PubMed 36050397 (cited by Labcorp Genetics (formerly Invitae), Labcorp).